The following is an entry in ClinVar:

NM_007294.4(BRCA1):c.5133del (p.Lys1711fs)

Gene: BRCA1 (BRCA1 DNA repair associated; minus strand). Cytogenetic location: 17q21.31.
Variant type: Deletion.
Coding change: c.5133del on transcript NM_007294.4 (MANE Select); coding-DNA position 5133, one base deleted (A; older notation c.5133delA).
Protein change: p.Lys1711fs; shifts the reading frame from lysine 1711.
Molecular consequence: frameshift variant. On other transcripts: non-coding transcript variant (1).
Genome position (GRCh38, 1-based): chr17:43,063,893, T deleted on the plus strand (A on the coding strand, the reverse complement: BRCA1 is on the minus strand); the first of 4 consecutive T bases (chr17:43,063,893-43,063,896); deleting any one gives the same sequence. VCF-style (leftmost placement, unchanged base first): chr17-43063892-AT-A. GRCh37 (hg19) VCF-style: chr17-41215909-AT-A.
Other names: c.5133delA (NM_007294.3); c.5007delA, p.Lys1670Asnfs (NM_001407669.1, NM_001407919.1, NM_001407937.1 and 6 more transcripts); c.5004delA, p.Lys1669Asnfs (NM_001407670.1, NM_001407671.1, NM_001407672.1 and 10 more transcripts); c.5001delA, p.Lys1668Asnfs (NM_001407681.1, NM_001407682.1, NM_001407683.1 and 6 more transcripts); c.5130delA, p.Lys1711Asnfs (NM_001407684.1, NM_001407854.1, NM_001407593.1 and 7 more transcripts); c.4998delA, p.Lys1667Asnfs (NM_001407690.1, NM_001407691.1); c.4989delA, p.Lys1664Asnfs (NM_001407692.1, NM_001407694.1, NM_001407695.1 and 12 more transcripts); c.4986delA, p.Lys1663Asnfs (NM_001407732.1, NM_001407733.1, NM_001407734.1 and 21 more transcripts); and 75 more; short protein forms K1664fs, K1711fs, K607fs, K1732fs.
Identifiers: ClinVar variation 180698 (VCV000180698.6), dbSNP rs730880288, ClinGen allele CA003259.

ClinVar aggregate classification (germline): Pathogenic. Review status: reviewed by expert panel (3 of 4 stars). 3 submissions from 3 submitters: Pathogenic (1). 2 of the submissions do not count toward it. Last evaluated 2016-09-08.

Conditions:
Hereditary cancer-predisposing syndrome. Also called: Hereditary Cancer Syndrome; Hereditary neoplastic syndrome; Tumor predisposition; Neoplastic Syndromes, Hereditary. Identifiers: Orphanet 140162, MedGen C0027672, MeSH D009386, MONDO:0015356.
Breast-ovarian cancer, familial, susceptibility to, 1 (BROVCA1). Also called: OVARIAN CANCER, SUSCEPTIBILITY TO; BRCA1 Hereditary Breast and Ovarian Cancer. Identifiers: Orphanet 145, MedGen C2676676, MONDO:0011450, OMIM 604370. Disease mechanism: loss of function.

Submissions (3):

Evidence-based Network for the Interpretation of Germline Mutant Alleles (ENIGMA)
Classification: Pathogenic for Breast-ovarian cancer, familial, susceptibility to, 1. Last evaluated: 2016-09-08. Review status: reviewed by expert panel. Criteria: ENIGMA BRCA1/2 Classification Criteria (2015). Collection method: curation. Allele origin: germline.
Comment: Variant allele predicted to encode a truncated non-functional protein.

Ambry Genetics
Classification: Pathogenic for Hereditary cancer-predisposing syndrome. Last evaluated: 2026-04-22. Review status: criteria provided, single submitter. Criteria: Ambry Variant Classification Scheme 2023. Collection method: clinical testing. Allele origin: germline. Not counted in ClinVar's aggregate classification.
Comment: The c.5133delA pathogenic mutation, located in coding exon 16 of the BRCA1 gene, results from a deletion of one nucleotide at nucleotide position 5133, causing a translational frameshift with a predicted alternate stop codon (p.K1711Nfs*3). This variant is considered to be rare based on population cohorts in the Genome Aggregation Database (gnomAD). This alteration is expected to result in loss of function by premature protein truncation or nonsense-mediated mRNA decay. As such, this alteration is interpreted as a disease-causing mutation.

Strand Center for Genomics and Personalized Medicine, Strand Life Sciences Pvt Ltd
Classification: Likely pathogenic for Breast-ovarian cancer, familial 1. Last evaluated: 2014-02-19. Review status: no assertion criteria provided. Collection method: clinical testing. Allele origin: germline. Affected: yes. Observed: 1 variant allele, 1 heterozygote. Not counted in ClinVar's aggregate classification.
Comment: The chromatin structure assay demonstrated that the 1707IAGGK1711 region is critical for the chromatin unfolding activity (PMID: 12674632). A variation p.Gly1710Ter has been reported to be associated with breast cancer in French patients (PMID: 15131401).